The following is an entry in ClinVar:

ClinVar aggregate classification (germline): Uncertain significance. Review status: criteria provided, multiple submitters, no conflicts (2 of 4 stars). 3 submissions from 3 submitters: Uncertain significance (3). Last evaluated 2026-07-06.

Conditions:
Inborn genetic diseases. Identifiers: MedGen C0950123, MeSH D030342.
LRTOMT-related disorder. Also called: LRTOMT-related condition.

Allele frequency attached by ClinVar (database versions not stated): gnomAD 0.00001; gnomAD exomes 0.00002 and 0.00005; TOPMed 0.00003.
gnomAD v4.1: 12 of 1,549,802 alleles (0.00077%); highest among the groups gnomAD compares: Admixed American, 0.024%; no homozygotes.

Submissions (3):

PreventionGenetics, part of Exact Sciences
Classification: Uncertain significance for LRTOMT-related condition. Last evaluated: 2026-07-06. Review status: criteria provided, single submitter. Criteria: ACMG Guidelines, 2015. Collection method: clinical testing. Allele origin: germline.
Comment: The LRTOMT c.670G>A variant is predicted to result in the amino acid substitution p.Asp224Asn. To our knowledge, this variant has not been reported in the literature. This variant is reported in 0.032% of alleles in individuals of Latino descent in gnomAD. At this time, the clinical significance of this variant is uncertain due to the absence of conclusive functional and genetic evidence.

GeneDx
Classification: Uncertain significance. Last evaluated: 2025-05-13. Review status: criteria provided, single submitter. Criteria: GeneDx Variant Classification Process June 2021. Collection method: clinical testing. Allele origin: germline. Affected: yes.
Comment: In silico analysis, which includes protein predictors and evolutionary conservation, supports a deleterious effect; Has not been previously published as pathogenic or benign to our knowledge

Ambry Genetics
Classification: Uncertain significance for Inborn genetic diseases. Last evaluated: 2023-11-27. Review status: criteria provided, single submitter. Criteria: Ambry Variant Classification Scheme 2023. Collection method: clinical testing. Allele origin: germline.
Comment: The c.670G>A (p.D224N) alteration is located in exon 7 (coding exon 5) of the LRTOMT gene. This alteration results from a G to A substitution at nucleotide position 670, causing the aspartic acid (D) at amino acid position 224 to be replaced by an asparagine (N). Based on data from gnomAD, the A allele has an overall frequency of 0.005% (8/153414) total alleles studied. The highest observed frequency was 0.033% (8/24624) of Latino alleles. This amino acid position is highly conserved in available vertebrate species. This alteration is predicted to be tolerated by in silico analysis. Based on insufficient or conflicting evidence, the clinical significance of this alteration remains unclear.

NM_001145308.5(LRTOMT):c.670G>A (p.Asp224Asn)

Genes: ANAPC15 (anaphase promoting complex subunit 15; minus strand), LRTOMT (leucine rich transmembrane and O-methyltransferase domain containing; plus strand), TOMT (transmembrane O-methyltransferase; plus strand). Cytogenetic location: 11q13.4.
Variant type: single nucleotide variant.
Coding change: c.670G>A on transcript NM_001145308.5; coding-DNA position 670, G replaced by A.
Protein change: p.Asp224Asn; replaces aspartic acid 224 with asparagine.
Molecular consequence: missense variant. On other transcripts: 3 prime UTR variant (3), non-coding transcript variant (1), intron variant (7).
Genome position (GRCh38, 1-based): chr11:72,108,719, G>A. VCF-style: chr11-72108719-G-A. GRCh37 (hg19) VCF-style: chr11-71819765-G-A.
Other names: c.571G>A, p.Asp191Asn (NM_001393500.2); c.670G>A, p.Asp224Asn (NM_001145309.4); c.550G>A, p.Asp184Asn (NM_001145310.4); c.*100C>T (NM_001393443.1, NM_001393444.1, NM_001393445.1); c.64-1114C>T (NM_001393459.1); c.319-1114C>T (NM_001393430.1, NM_001393429.1, NM_001393428.1 and 3 more transcripts); short protein forms D184N, D191N, D224N.
Identifiers: ClinVar variation 1214038 (VCV001214038.10), dbSNP rs1393280423, ClinGen allele CA381724648.